The following is an entry in ClinVar:

ClinVar aggregate classification (germline): Uncertain significance. Review status: criteria provided, multiple submitters, no conflicts (2 of 4 stars). 6 submissions from 6 submitters: Uncertain significance (5). 1 of the submissions does not count toward it. Last evaluated 2025-12-06.

Conditions:
CYP27A1-related disorder. Also called: CYP27A1-related condition.
Cardiovascular phenotype. Identifiers: MedGen CN230736.
Cholestanol storage disease (CTX). Also called: CEREBRAL CHOLESTERINOSIS; Cerebrotendinous Xanthomatosis; CTX: Cerebrotendinous xanthomatosis. Identifiers: Orphanet 909, MedGen C0238052, MONDO:0008948, OMIM 213700.

Allele frequency attached by ClinVar (database versions not stated): gnomAD exomes 0.00003 and 0.00007; TOPMed 0.00003; ExAC 0.00005; gnomAD 0.00006; ESP Exome Variant Server 0.00015.
gnomAD v4.1: 115 of 1,614,094 alleles (0.0071%); highest among the groups gnomAD compares: Non-Finnish European, 0.0092%; no homozygotes.

Submissions (6):

Mayo Clinic Laboratories, Mayo Clinic
Classification: Uncertain significance. Last evaluated: 2025-12-06. Review status: criteria provided, single submitter. Criteria: ACMG Guidelines, 2015. Collection method: clinical testing. Allele origin: germline. Observed: 1 variant allele.
Comment: PM2_supporting

Blueprint Genetics
Classification: Uncertain significance. Last evaluated: 2022-07-17. Review status: criteria provided, single submitter. Criteria: ACMG Guidelines, 2015. Collection method: clinical testing. Allele origin: germline.

Labcorp Genetics (formerly Invitae), Labcorp
Classification: Uncertain significance for Cholestanol storage disease. Last evaluated: 2022-07-04. Review status: criteria provided, single submitter. Criteria: Invitae Variant Classification Sherloc (09022015). Collection method: clinical testing. Allele origin: germline.
Comment: This sequence change replaces isoleucine, which is neutral and non-polar, with methionine, which is neutral and non-polar, at codon 182 of the CYP27A1 protein (p.Ile182Met). This variant is present in population databases (rs149366157, gnomAD 0.006%). This variant has not been reported in the literature in individuals affected with CYP27A1-related conditions. ClinVar contains an entry for this variant (Variation ID: 501615). Advanced modeling of protein sequence and biophysical properties (such as structural, functional, and spatial information, amino acid conservation, physicochemical variation, residue mobility, and thermodynamic stability) performed at Invitae indicates that this missense variant is not expected to disrupt CYP27A1 protein function. In summary, the available evidence is currently insufficient to determine the role of this variant in disease. Therefore, it has been classified as a Variant of Uncertain Significance.

Ambry Genetics
Classification: Uncertain significance for Cardiovascular phenotype. Last evaluated: 2021-11-19. Review status: criteria provided, single submitter. Criteria: Ambry Variant Classification Scheme 2023. Collection method: clinical testing. Allele origin: germline.

Eurofins Ntd Llc (ga)
Classification: Uncertain significance. Last evaluated: 2017-04-20. Review status: criteria provided, single submitter. Criteria: EGL Classification Definitions 2015. Collection method: clinical testing. Allele origin: germline. Observed: 1 variant allele, 1 heterozygote.

PreventionGenetics, part of Exact Sciences
Classification: Uncertain significance for CYP27A1-related condition. Last evaluated: 2024-02-26. Review status: no assertion criteria provided. Collection method: clinical testing. Allele origin: germline. Not counted in ClinVar's aggregate classification.
Comment: The CYP27A1 c.546T>G variant is predicted to result in the amino acid substitution p.Ile182Met. To our knowledge, this variant has not been reported in the literature. This variant is reported in 0.0070% of alleles in individuals of European (Non-Finnish) descent in gnomAD. At this time, the clinical significance of this variant is uncertain due to the absence of conclusive functional and genetic evidence.

Literature cited by the submitters: PubMed 39109120 (cited by Mayo Clinic Laboratories, Mayo Clinic).

NM_000784.4(CYP27A1):c.546T>G (p.Ile182Met)

Gene: CYP27A1 (cytochrome P450 family 27 subfamily A member 1; plus strand). Cytogenetic location: 2q35.
Variant type: single nucleotide variant.
Coding change: c.546T>G on transcript NM_000784.4 (MANE Select); coding-DNA position 546, T replaced by G.
Protein change: p.Ile182Met; replaces isoleucine 182 with methionine.
Molecular consequence: missense variant.
Genome position (GRCh38, 1-based): chr2:218,812,321, T>G. VCF-style: chr2-218812321-T-G. GRCh37 (hg19) VCF-style: chr2-219677044-T-G.
Other names: p.Ile182Met; c.546T>G (NM_000784.3); short protein forms I182M.
Identifiers: ClinVar variation 501615 (VCV000501615.12), dbSNP rs149366157, ClinGen allele CA2112645.